The following is an entry in ClinVar:

NM_000384.3(APOB):c.2371G>C (p.Asp791His)

Gene: APOB (apolipoprotein B; minus strand). Cytogenetic location: 2p24.1.
Variant type: single nucleotide variant.
Coding change: c.2371G>C on transcript NM_000384.3 (MANE Select); coding-DNA position 2371, G replaced by C.
Protein change: p.Asp791His; replaces aspartic acid 791 with histidine.
Molecular consequence: missense variant.
Genome position (GRCh38, 1-based): chr2:21,024,998, C>G on the plus strand (G>C on the coding strand, the complement: APOB is on the minus strand). VCF-style: chr2-21024998-C-G. GRCh37 (hg19) VCF-style: chr2-21247870-C-G.
Other names: short protein forms D791H.
Identifiers: ClinVar variation 4842887 (VCV004842887.1).
Genomic context (GRCh38, chr2:21,024,998, plus strand): 5'-GGGGGATCCCCTGCAGAGTGCGGGCACCCATCAGAAGCAGCTTTCCCAGGAGCTGGAGGT[C>G]ATGGAGACTGGCAAAACCAAGCTCCTCTCCCAAGATGCGGAGGTAGGCTCTGGCTTCCGG-3'
Protein context (NP_000375.3, residues 781-801): GEELGFASLH[Asp791His]LQLLGKLLLM

ClinVar aggregate classification (germline): Uncertain significance (1 of 4 stars; one submission).

Conditions:
Cardiovascular phenotype. Identifiers: MedGen CN230736.

gnomAD v4.1: 10 of 1,614,252 alleles (0.00062%); highest among the groups gnomAD compares: African/African-American, 0.0027%; no homozygotes.

Submission:

Ambry Genetics
Classification: Uncertain significance for Cardiovascular phenotype. Last evaluated: 2025-12-30. Review status: criteria provided, single submitter. Criteria: Ambry Variant Classification Scheme 2023. Collection method: clinical testing. Allele origin: germline.
Comment: The p.D791H variant (also known as c.2371G>C), located in coding exon 16 of the APOB gene, results from a G to C substitution at nucleotide position 2371. The aspartic acid at codon 791 is replaced by histidine, an amino acid with similar properties. This amino acid position is conserved. In addition, the in silico prediction for this alteration is inconclusive. Based on the available evidence, the clinical significance of this variant remains unclear.